The following is an entry in ClinVar:

ClinVar aggregate classification (germline): Conflicting classifications of pathogenicity. Review status: criteria provided, conflicting classifications (1 of 4 stars). 7 submissions from 7 submitters: Uncertain significance (2); Benign (1); Likely benign (3). 1 of the submissions does not count toward it. Last evaluated 2026-01-19.

Conditions:
FBN2-related disorder. Also called: FBN2-related condition.
Congenital contractural arachnodactyly (CCA). Also called: BEALS SYNDROME; Beals-Hecht syndrome; Arthrogryposis, distal, type 9. Identifiers: Orphanet 115, MedGen C0220668, MONDO:0007363, OMIM 121050.
Macular degeneration, early-onset (EOMD). Identifiers: MedGen C4015286, MONDO:0014501, OMIM 616118.

Allele frequency attached by ClinVar (database versions not stated): gnomAD exomes 0.00005 and 0.00010; ExAC 0.00007; gnomAD 0.00031 and 0.00032; TOPMed 0.00062.
gnomAD v4.1: 122 of 1,613,782 alleles (0.0076%); highest among the groups gnomAD compares: Admixed American, 0.1%; no homozygotes.

Submissions (7):

Labcorp Genetics (formerly Invitae), Labcorp
Classification: Uncertain significance for Congenital contractural arachnodactyly. Last evaluated: 2026-01-19. Review status: criteria provided, single submitter. Criteria: Invitae Variant Classification Sherloc (09022015). Collection method: clinical testing. Allele origin: germline.
Comment: This sequence change falls in intron 55 of the FBN2 gene. It does not directly change the encoded amino acid sequence of the FBN2 protein. It affects a nucleotide within the consensus splice site. This variant is present in population databases (rs749376421, gnomAD 0.03%), and has an allele count higher than expected for a pathogenic variant. This variant has not been reported in the literature in individuals affected with FBN2-related conditions. ClinVar contains an entry for this variant (Variation ID: 458777). Variants that disrupt the consensus splice site are a relatively common cause of aberrant splicing (PMID: 17576681, 9536098). Algorithms developed to predict the effect of sequence changes on RNA splicing suggest that this variant is not likely to affect RNA splicing. In summary, the available evidence is currently insufficient to determine the role of this variant in disease. Therefore, it has been classified as a Variant of Uncertain Significance.

CeGaT Center for Human Genetics Tuebingen
Classification: Likely benign. Last evaluated: 2024-08-01. Review status: criteria provided, single submitter. Criteria: CeGaT Center For Human Genetics Tuebingen Variant Classification Criteria Version 2. Collection method: clinical testing. Allele origin: germline. Affected: yes. Observed: 1 variant allele.
Comment: FBN2: BP4, BS1

Blueprint Genetics
Classification: Uncertain significance. Last evaluated: 2024-03-13. Review status: criteria provided, single submitter. Criteria: ACMG Guidelines, 2015. Collection method: clinical testing. Allele origin: germline.

Women's Health and Genetics/Laboratory Corporation of America, LabCorp
Classification: Benign. Last evaluated: 2023-08-11. Review status: criteria provided, single submitter. Criteria: LabCorp Variant Classification Summary - May 2015. Collection method: clinical testing. Allele origin: germline.

GeneDx
Classification: Likely benign. Last evaluated: 2021-06-30. Review status: criteria provided, single submitter. Criteria: GeneDx Variant Classification Process June 2021. Collection method: clinical testing. Allele origin: germline. Affected: yes.

Center for Genomics, Ann and Robert H. Lurie Children's Hospital of Chicago
Classification: Likely benign for Macular degeneration, early-onset; Congenital contractural arachnodactyly. Review status: criteria provided, single submitter. Criteria: ACMG Guidelines, 2015. Collection method: clinical testing. Allele origin: germline.
Comment: This variant has not been reported in the literature but is present in the Genome Aggregation Database (Highest MAF: 0.3% [42/15276]) and in ClinVar (Variation ID: 458777). Although this variant occurs in the splice region, computational prediction tools do not suggest that it alters splicing. However, further studies are needed to understand its impact. In summary, data on this variant suggests that this variant does not cause disease but requires further evidence. Therefore, this variant is classified as likely benign.

PreventionGenetics, part of Exact Sciences
Classification: Likely benign for FBN2-related condition. Last evaluated: 2024-05-24. Review status: no assertion criteria provided. Collection method: clinical testing. Allele origin: germline. Not counted in ClinVar's aggregate classification.
Comment: This variant is classified as likely benign based on ACMG/AMP sequence variant interpretation guidelines (Richards et al. 2015 PMID: 25741868, with internal and published modifications).

Literature cited by the submitters: PubMed 17576681 (cited by Labcorp Genetics (formerly Invitae), Labcorp); PubMed 9536098 (cited by Labcorp Genetics (formerly Invitae), Labcorp).

NM_001999.4(FBN2):c.7012+6C>T

Gene: FBN2 (fibrillin 2; minus strand). Cytogenetic location: 5q23.3.
Variant type: single nucleotide variant.
Coding change: c.7012+6C>T on transcript NM_001999.4 (MANE Select); 6 bases into the intron after coding-DNA position 7012, C replaced by T.
Molecular consequence: intron variant.
Genome position (GRCh38, 1-based): chr5:128,286,712, G>A on the plus strand (C>T on the coding strand, the complement: FBN2 is on the minus strand). VCF-style: chr5-128286712-G-A. GRCh37 (hg19) VCF-style: chr5-127622404-G-A.
Identifiers: ClinVar variation 458777 (VCV000458777.31), dbSNP rs749376421, ClinGen allele CA3394248.